The following is an entry in ClinVar:

NM_006231.4(POLE):c.721-1G>A

Gene: POLE (DNA polymerase epsilon, catalytic subunit; minus strand). Cytogenetic location: 12q24.33.
Variant type: single nucleotide variant.
Coding change: c.721-1G>A on transcript NM_006231.4 (MANE Select); the canonical splice acceptor site of the intron before coding-DNA position 721, G replaced by A.
Molecular consequence: splice acceptor variant.
Genome position (GRCh38, 1-based): chr12:132,677,444, C>T on the plus strand (G>A on the coding strand, the complement: POLE is on the minus strand). VCF-style: chr12-132677444-C-T. GRCh37 (hg19) VCF-style: chr12-133254030-C-T.
Identifiers: ClinVar variation 1499084 (VCV001499084.8), dbSNP rs2136018890, ClinGen allele CA387364570.

ClinVar aggregate classification (germline): Likely pathogenic (1 of 4 stars; one submission).

Submission:

Labcorp Genetics (formerly Invitae), Labcorp
Classification: Likely pathogenic. Last evaluated: 2023-07-17. Review status: criteria provided, single submitter. Criteria: Invitae Variant Classification Sherloc (09022015). Collection method: clinical testing. Allele origin: germline.
Comment: In summary, the currently available evidence indicates that the variant is pathogenic, but additional data are needed to prove that conclusively. Therefore, this variant has been classified as Likely Pathogenic. Algorithms developed to predict the effect of sequence changes on RNA splicing suggest that this variant may disrupt the consensus splice site. ClinVar contains an entry for this variant (Variation ID: 1499084). This variant has not been reported in the literature in individuals affected with POLE-related conditions. This variant is not present in population databases (gnomAD no frequency). This sequence change affects an acceptor splice site in intron 7 of the POLE gene. It is expected to disrupt RNA splicing. Variants that disrupt the donor or acceptor splice site typically lead to a loss of protein function (PMID: 16199547), and loss-of-function variants in POLE are known to be pathogenic (PMID: 23230001, 25948378, 30503519).

Literature cited by the submitters: PubMed 16199547; PubMed 23230001; PubMed 25948378; PubMed 30503519.